The following is an entry in ClinVar:

ClinVar aggregate classification (germline): Uncertain significance (1 of 4 stars; one submission).

Allele frequency attached by ClinVar (database versions not stated): gnomAD exomes 0.00001; gnomAD 0.00013; TOPMed 0.00019; 1000 Genomes Project 0.00060; 1000 Genomes Project 30x 0.00062.
gnomAD v4.1: 37 of 1,558,376 alleles (0.0024%); highest among the groups gnomAD compares: African/African-American, 0.046%; no homozygotes.

Submission:

Labcorp Genetics (formerly Invitae), Labcorp
Classification: Uncertain significance. Last evaluated: 2022-06-11. Review status: criteria provided, single submitter. Criteria: Invitae Variant Classification Sherloc (09022015). Collection method: clinical testing. Allele origin: germline.
Comment: In summary, the available evidence is currently insufficient to determine the role of this variant in disease. Therefore, it has been classified as a Variant of Uncertain Significance. Algorithms developed to predict the effect of missense changes on protein structure and function output the following: SIFT: "Tolerated"; PolyPhen-2: "Benign"; Align-GVGD: "Class C0". The phenylalanine amino acid residue is found in multiple mammalian species, which suggests that this missense change does not adversely affect protein function. This variant has not been reported in the literature in individuals affected with GP6-related conditions. This variant is present in population databases (rs563944012, gnomAD 0.05%). This sequence change replaces cysteine, which is neutral and slightly polar, with phenylalanine, which is neutral and non-polar, at codon 262 of the GP6 protein (p.Cys262Phe).

NM_016363.5(GP6):c.781G>T (p.Ala261Ser)

Gene: GP6 (glycoprotein VI platelet; minus strand). Cytogenetic location: 19q13.42.
Variant type: single nucleotide variant.
Coding change: c.781G>T on transcript NM_016363.5 (MANE Select); coding-DNA position 781, G replaced by T.
Protein change: p.Ala261Ser; replaces alanine 261 with serine.
Molecular consequence: missense variant.
Genome position (GRCh38, 1-based): chr19:55,015,160, C>A on the plus strand (G>T on the coding strand, the complement: GP6 is on the minus strand). VCF-style: chr19-55015160-C-A. GRCh37 (hg19) VCF-style: chr19-55526528-C-A.
Other names: c.785G>T, p.Cys262Phe (NM_001083899.2); c.727G>T, p.Ala243Ser (NM_001256017.2); short protein forms A261S, C262F, A243S.
Identifiers: ClinVar variation 2168678 (VCV002168678.2), dbSNP rs563944012, ClinGen allele CA310122005.
Genomic context (GRCh38, chr19:55,015,160, plus strand): 5'-TTAGGATCACAGCCCCGAGGCATATCCGGACCAGGTTGCCCTTGGTGTAGTACTGGCGGG[C>A]AGGACCTGGAGGAATGAGGAGAGGCAGGAGCAGGTGAAAGAGCCCACCTCCAGGACCCCC-3'
Protein context (NP_057447.5, residues 251-271): PKESDSPAGP[Ala261Ser]RQYYTKGNLV